The following is an entry in ClinVar:

ClinVar aggregate classification (germline): Likely pathogenic. Review status: criteria provided, multiple submitters, no conflicts (2 of 4 stars). 2 submissions from 2 submitters: Likely pathogenic (2). Last evaluated 2025-12-29.

Conditions:
Autosomal recessive osteopetrosis 1. Also called: ALBERS-SCHONBERG DISEASE, AUTOSOMAL RECESSIVE; TCIRG1-Related Autosomal Recessive Osteopetrosis; TCIRG1-Related Osteopetrosis. Identifiers: Orphanet 667, MedGen C1850127, MONDO:0009815, OMIM 259700.

Submissions (2):

Natera, Inc.
Classification: Likely pathogenic for Infantile malignant osteopetrosis. Last evaluated: 2025-12-29. Review status: criteria provided, single submitter. Criteria: Natera Variant Classification Schema (03/2026). Collection method: clinical testing. Allele origin: germline.
Comment: The c.455_457delinsGG variant in TCIRG1 is a frameshift variant predicted to shift the reading frame beginning at codon 152 and leads to a stop codon 14 codons downstream. This variant is expected to result in nonsense mediated decay, truncation, or a dysfunctional protein product. This variant is rare in the general population with a frequency below the threshold expected for the associated phenotype(s). Given the available evidence, this variant is classified as Likely Pathogenic.

Baylor Genetics
Classification: Likely pathogenic for Autosomal recessive osteopetrosis 1. Last evaluated: 2023-08-13. Review status: criteria provided, single submitter. Criteria: ACMG Guidelines, 2015. Collection method: clinical testing. Allele origin: unknown.

NM_006019.4(TCIRG1):c.455_457delinsGG (p.Thr152fs)

Gene: TCIRG1 (T cell immune regulator 1, ATPase H+ transporting V0 subunit a3; plus strand). Cytogenetic location: 11q13.2.
Variant type: Indel.
Coding change: c.455_457delinsGG on transcript NM_006019.4 (MANE Select); coding-DNA positions 455 to 457, CGC replaced by GG.
Protein change: p.Thr152fs; shifts the reading frame from threonine 152.
Molecular consequence: frameshift variant. On other transcripts: 5 prime UTR variant (2).
Genome position (GRCh38, 1-based): chr11:68,042,983-68,042,985, CGC replaced by GG. VCF-style: chr11-68042983-CGC-GG. GRCh37 (hg19) VCF-style: chr11-67810450-CGC-GG.
Other names: c.-795_-793delinsGG (NM_001351059.2); c.-533_-531delinsGG (NM_006053.4); c.455_457delinsGG (NM_006019.3); short protein forms T152fs.
Identifiers: ClinVar variation 2679111 (VCV002679111.2), dbSNP rs2495617188, ClinGen allele CA2695198925.